The following is an entry in ClinVar:

ClinVar aggregate classification (germline): Uncertain significance (1 of 4 stars; one submission).

Conditions:
Atrial standstill 1 (ATRST1). Also called: Atrial standstill, digenic (GJA5/SCN5A); ATRIAL CARDIOMYOPATHY WITH HEART BLOCK; CARDIOMYOPATHY, FAMILIAL, WITH CONDUCTION DISTURBANCE. Identifiers: Orphanet 1344, MedGen C4551959, MONDO:0007171, OMIM 108770.
Atrial fibrillation, familial, 11 (ATFB11). Identifiers: MedGen C3279693, MONDO:0013544, OMIM 614049.

Submission:

Labcorp Genetics (formerly Invitae), Labcorp
Classification: Uncertain significance for Atrial fibrillation, familial, 11; Atrial standstill 1. Last evaluated: 2023-07-25. Review status: criteria provided, single submitter. Criteria: Invitae Variant Classification Sherloc (09022015). Collection method: clinical testing. Allele origin: germline.
Comment: This sequence change creates a premature translational stop signal (p.Pro193Argfs*65) in the GJA5 gene. While this is not anticipated to result in nonsense mediated decay, it is expected to disrupt the last 166 amino acid(s) of the GJA5 protein. This variant is not present in population databases (gnomAD no frequency). This variant has not been reported in the literature in individuals affected with GJA5-related conditions. Experimental studies and prediction algorithms are not available or were not evaluated, and the functional significance of this variant is currently unknown. In summary, the available evidence is currently insufficient to determine the role of this variant in disease. Therefore, it has been classified as a Variant of Uncertain Significance.

NM_181703.4(GJA5):c.578del (p.Pro193fs)

Genes: GJA5 (gap junction protein alpha 5; minus strand), LOC122128420 (Sharpr-MPRA regulatory region 3144; plus strand). Cytogenetic location: 1q21.2.
Variant type: Deletion.
Coding change: c.578del on transcript NM_181703.4 (MANE Select); coding-DNA position 578, one base deleted (C; older notation c.578delC).
Protein change: p.Pro193fs; shifts the reading frame from proline 193.
Molecular consequence: frameshift variant.
Genome position (GRCh38, 1-based): chr1:147,758,661, G deleted on the plus strand (C on the coding strand, the reverse complement: GJA5 is on the minus strand); the first of 3 consecutive G bases (chr1:147,758,661-147,758,663); deleting any one gives the same sequence. VCF-style (leftmost placement, unchanged base first): chr1-147758660-CG-C. GRCh37 (hg19) VCF-style: chr1-147230768-CG-C.
Other names: c.578del, p.Pro193fs (NM_005266.7); short protein forms P193fs.
Identifiers: ClinVar variation 2936512 (VCV002936512.3), dbSNP rs2524610067, ClinGen allele CA2740090251.
Genomic context (GRCh38, chr1:147,758,660, plus strand): 5'-AGCCAGCATAAAGACAATGAAGACATTCTTCTCTGTGGGCCGGGATACGTAACAGTTGAC[CG>C]GGTGGGGACAGGGACTCCTGCGGCAGACATGCAGGGTGGTCAGGAAGATTCCGTAGATGA-3'